The following is an entry in ClinVar:

NC_000005.9:g.(?_138260189)_(138269778_?)del

Gene: CTNNA1 (catenin alpha 1; plus strand). Cytogenetic location: 5q31.2.
Variant type: Deletion.
Identifiers: ClinVar variation 2424311 (VCV002424311.2).

ClinVar aggregate classification (germline): Uncertain significance (1 of 4 stars; one submission).

Submission:

Labcorp Genetics (formerly Invitae), Labcorp
Classification: Uncertain significance. Last evaluated: 2022-08-23. Review status: criteria provided, single submitter. Criteria: Invitae Variant Classification Sherloc (09022015). Collection method: clinical testing. Allele origin: germline.
Comment: This variant is a gross deletion of the genomic region encompassing exon(s) 12-18 of the CTNNA1 gene, which includes the termination codon. This deletion extends beyond the assayed region for this gene and therefore may encompass additional genes. While this deletion is not anticipated to lead to nonsense mediated decay, it is expected to alter mRNA translation or result in a truncated protein product. This variant has not been reported in the literature in individuals affected with CTNNA1-related conditions. In summary, the available evidence is currently insufficient to determine the role of this variant in disease. Therefore, it has been classified as a Variant of Uncertain Significance.